The following is an entry in ClinVar:

NM_003002.4(SDHD):c.429C>T (p.Asn143=)

Gene: SDHD (succinate dehydrogenase complex subunit D; plus strand). Cytogenetic location: 11q23.1.
Variant type: single nucleotide variant.
Coding change: c.429C>T on transcript NM_003002.4 (MANE Select); coding-DNA position 429, C replaced by T.
Protein change: p.Asn143=; no amino-acid change (asparagine 143 retained).
Molecular consequence: synonymous variant. On other transcripts: 3 prime UTR variant (2), non-coding transcript variant (1).
Genome position (GRCh38, 1-based): chr11:112,094,919, C>T. VCF-style: chr11-112094919-C-T. GRCh37 (hg19) VCF-style: chr11-111965643-C-T.
Other names: c.429C>T (NM_003002.2); c.*26C>T (NM_001276503.2); c.312C>T, p.Asn104= (NM_001276504.2); c.*127C>T (NM_001276506.2).
Identifiers: ClinVar variation 1097751 (VCV001097751.12), dbSNP rs1036199125, ClinGen allele CA228555727.
Genomic context (GRCh38, chr11:112,094,919, plus strand): 5'-TGCCAAGGCAGGGCTTTTGGCACTTTCAGCTTTAACCTTTGCTGGGCTTTGCTATTTCAA[C>T]TATCACGATGTGGGCATCTGCAAAGCTGTTGCCATGCTGTGGAAGCTCTGACCTTTTTGA-3'
Protein context (NP_002993.1, residues 133-153): ALTFAGLCYF[Asn143=]YHDVGICKAV

ClinVar aggregate classification (germline): Benign/Likely benign. Review status: criteria provided, multiple submitters, no conflicts (2 of 4 stars). 3 submissions from 3 submitters: Benign (1); Likely benign (2). Last evaluated 2025-11-20.

Conditions:
Hereditary cancer-predisposing syndrome. Also called: Neoplastic Syndromes, Hereditary; Hereditary neoplastic syndrome; Hereditary Cancer Syndrome; Tumor predisposition. Identifiers: Orphanet 140162, MedGen C0027672, MeSH D009386, MONDO:0015356.
Carney-Stratakis syndrome. Also called: PARAGANGLIOMA AND GASTROINTESTINAL STROMAL TUMOR. Identifiers: Orphanet 97286, MedGen C1847319, MONDO:0011740, OMIM 606864.
Pheochromocytoma. Also called: MAX-Related Hereditary Paraganglioma-Pheochromocytoma Syndrome. Identifiers: Orphanet 29072, MedGen C0031511, MONDO:0008233, OMIM 171300, HP:0002666.
Paragangliomas with sensorineural hearing loss. Identifiers: MedGen C1868633.
Cowden syndrome 3 (CWS3). Identifiers: Orphanet 201, MedGen CN166604, MONDO:0014045.
Pheochromocytoma/paraganglioma syndrome 1. Also called: Paragangliomas 1; PARAGANGLIOMAS, FAMILIAL NONCHROMAFFIN, 1; PGL 1; Paragangliomas familial 1; SDHD-Related Hereditary Paraganglioma-Pheochromocytoma Syndrome; PARAGANGLIOMATA. Identifiers: Orphanet 29072, MedGen C3494181, MONDO:0008192, OMIM 168000.

Allele frequency attached by ClinVar (database versions not stated): gnomAD exomes below 0.00001; gnomAD 0.00001; TOPMed 0.00001.
gnomAD v4.1: 2 of 1,611,274 alleles (0.00012%); highest among the groups gnomAD compares: Non-Finnish European, 0.00017%; no homozygotes.

Submissions (3):

Labcorp Genetics (formerly Invitae), Labcorp
Classification: Likely benign for Carney-Stratakis syndrome; Paragangliomas with sensorineural hearing loss; Pheochromocytoma; Cowden syndrome 3. Last evaluated: 2025-11-20. Review status: criteria provided, single submitter. Criteria: Invitae Variant Classification Sherloc (09022015). Collection method: clinical testing. Allele origin: germline.

Myriad Genetics, Inc.
Classification: Benign for Pheochromocytoma/paraganglioma syndrome 1. Last evaluated: 2025-03-18. Review status: criteria provided, single submitter. Criteria: Myriad Autosomal Dominant, Autosomal Recessive and X-Linked Classification Criteria (2023). Collection method: clinical testing. Allele origin: unknown.
Comment: This variant is considered benign. This variant is a silent/synonymous amino acid change and it is not expected to impact splicing.

Ambry Genetics
Classification: Likely benign for Hereditary cancer-predisposing syndrome. Last evaluated: 2024-11-01. Review status: criteria provided, single submitter. Criteria: Ambry Variant Classification Scheme 2023. Collection method: clinical testing. Allele origin: germline.